The following is an entry in ClinVar:

ClinVar aggregate classification (germline): Uncertain significance. Review status: criteria provided, multiple submitters, no conflicts (2 of 4 stars). 2 submissions from 2 submitters: Uncertain significance (2). Last evaluated 2026-03-19.

gnomAD v4.1: 12 of 1,519,646 alleles (0.00079%); highest among the groups gnomAD compares: South Asian, 0.0076%; no homozygotes.

Submissions (2):

Ambry Genetics
Classification: Uncertain significance. Last evaluated: 2026-03-19. Review status: criteria provided, single submitter. Criteria: Ambry Variant Classification Scheme 2023. Collection method: clinical testing. Allele origin: germline.
Comment: The c.6310C>T (p.R2104C) alteration is located in exon 46 (coding exon 46) of the CACNA1B gene. This alteration results from a C to T substitution at nucleotide position 6310, causing the arginine (R) at amino acid position 2104 to be replaced by a cysteine (C). Based on data from gnomAD, the T allele has an overall frequency of 0.001% (1/120542) total alleles studied. The highest observed frequency was 0.002% (1/47758) of European (non-Finnish) alleles. Based on insufficient or conflicting evidence, the clinical significance of this alteration remains unclear.

GeneDx
Classification: Uncertain significance. Last evaluated: 2025-04-16. Review status: criteria provided, single submitter. Criteria: GeneDx Variant Classification Process June 2021. Collection method: clinical testing. Allele origin: germline. Affected: yes.
Comment: Not observed at significant frequency in large population cohorts (gnomAD); In silico analysis supports that this missense variant has a deleterious effect on protein structure/function; Has not been previously published as pathogenic or benign to our knowledge

NM_000718.4(CACNA1B):c.6310C>T (p.Arg2104Cys)

Gene: CACNA1B (calcium voltage-gated channel subunit alpha1 B; plus strand). Cytogenetic location: 9q34.3.
Variant type: single nucleotide variant.
Coding change: c.6310C>T on transcript NM_000718.4 (MANE Select); coding-DNA position 6310, C replaced by T.
Protein change: p.Arg2104Cys; replaces arginine 2104 with cysteine.
Molecular consequence: missense variant.
Genome position (GRCh38, 1-based): chr9:138,120,702, C>T. VCF-style: chr9-138120702-C-T. GRCh37 (hg19) VCF-style: chr9-141015154-C-T.
Other names: c.6310C>T, p.Arg2104Cys (NM_001243812.2); short protein forms R2104C.
Identifiers: ClinVar variation 4281969 (VCV004281969.2).